The following is an entry in ClinVar:

ClinVar aggregate classification (germline): Pathogenic. Review status: criteria provided, multiple submitters, no conflicts (2 of 4 stars). 3 submissions from 3 submitters: Pathogenic (3). Last evaluated 2025-04-09.

Conditions:
Osteogenesis imperfecta with normal sclerae, dominant form (OI4). Also called: OSTEOGENESIS IMPERFECTA WITH NORMAL SCLERAE; OSTEOGENESIS IMPERFECTA, TYPE IV, WITH DENTINOGENESIS IMPERFECTA; Common Variable Osteogenesis Imperfecta with Normal Sclerae; Osteogenesis Imperfecta Type IV; Osteogenesis imperfecta type 4. Identifiers: Orphanet 216820, Orphanet 666, MedGen C0268363, MONDO:0008148, OMIM 166220.
Ehlers-Danlos syndrome, classic type, 1 (EDSCL1). Also called: EHLERS-DANLOS SYNDROME, GRAVIS TYPE; EHLERS-DANLOS SYNDROME, SEVERE CLASSIC TYPE; EDS I; Ehlers-Danlos Syndrome, Classic Type, COL5A1-Related; Ehlers-Danlos syndrome, type 1. Identifiers: MedGen C0268335, MONDO:0019567, OMIM 130000.
Osteogenesis imperfecta type I (OI1). Also called: OI, TYPE I; OSTEOGENESIS IMPERFECTA TARDA; OSTEOGENESIS IMPERFECTA WITH BLUE SCLERAE; Classic Non-deforming Osteogenesis Imperfecta with Blue Sclerae; Lobstein disease; Osteogenesis imperfecta type 1. Identifiers: Orphanet 216796, Orphanet 666, MedGen C0023931, MONDO:0008146, OMIM 166200. Disease mechanism: loss of function.
Osteogenesis imperfecta, perinatal lethal (OI2). Also called: OI, TYPE II; OSTEOGENESIS IMPERFECTA CONGENITA; VROLIK TYPE OF OSTEOGENESIS IMPERFECTA; Osteogenesis imperfecta, dominant perinatal lethal; OSTEOGENESIS IMPERFECTA, TYPE II; Osteogenesis imperfecta type 2. Identifiers: Orphanet 216804, MedGen C0268358, MONDO:0008147, OMIM 166210.

Submissions (3):

Labcorp Genetics (formerly Invitae), Labcorp
Classification: Pathogenic for Osteogenesis imperfecta type I; Ehlers-Danlos syndrome, classic type, 1. Last evaluated: 2025-04-09. Review status: criteria provided, single submitter. Criteria: Invitae Variant Classification Sherloc (09022015). Collection method: clinical testing. Allele origin: germline.
Comment: This sequence change falls in intron 35 of the COL1A2 gene. It does not directly change the encoded amino acid sequence of the COL1A2 protein. RNA analysis indicates that this variant induces altered splicing and likely results in a shortened protein product. This variant is not present in population databases (gnomAD no frequency). This variant has been observed in individual(s) with autosomal dominant osteogenesis imperfecta (PMID: 16705691, 30715774). ClinVar contains an entry for this variant (Variation ID: 456815). Variants that disrupt the consensus splice site are a relatively common cause of aberrant splicing (PMID: 17576681, 9536098). Studies have shown that this variant results in skipping of exon 35, but is expected to preserve the integrity of the reading-frame (PMID: 16705691). This variant disrupts the triple helix domain of COL1A2. Glycine residues within the Gly-Xaa-Yaa repeats of the triple helix domain are required for the structure and stability of fibrillar collagens (PMID: 7695699, 8218237, 19344236). In COL1A2, variants affecting these glycine residues are significantly enriched in individuals with disease (PMID: 9016532, 17078022) compared to the general population (ExAC). For these reasons, this variant has been classified as Pathogenic.

Clinical Genomics Laboratory, Washington University in St. Louis
Classification: Pathogenic for Osteogenesis imperfecta with normal sclerae, dominant form. Last evaluated: 2025-03-05. Review status: criteria provided, single submitter. Criteria: ACMG Guidelines, 2015. Collection method: clinical testing. Allele origin: germline. Affected: yes.
Comment: The COL1A2 c.2133+6T>A variant has been reported in two individuals affected with osteogenesis imperfecta type IV (Lee KS et al., PMID: 16705691; Li L et al., PMID: 30715774). This variant has been reported in the ClinVar database as a pathogenic variant by two submitters (Variation ID: 456815). This variant is absent from the general population (gnomAD v.4.1), indicating it is not a common variant. Computational predictors indicate that this variant would alter splicing, evidence that correlates to an impact of the COL1A2 function. Functional studies using a minigene assay show disruption of the normal splicing process, indicating that this variant affects protein function (Lee KS et al., PMID: 16705691). Based on available information and the ACMG/AMP guidelines for variant interpretation (Richards S et al., PMID: 25741868), this variant is classified as pathogenic.

Medical Genetics Laboratory, West China Hospital, Sichuan University
Classification: Pathogenic for Osteogenesis imperfecta, perinatal lethal. Review status: criteria provided, single submitter. Criteria: ACMG Guidelines, 2015. Collection method: in vitro. Allele origin: not applicable. Inheritance: Autosomal dominant inheritance.
Comment: In vitro Minigene studies indicate that the variants interrupted its normal splicing process .

Literature cited by the submitters: PubMed 16705691 (cited by Labcorp Genetics (formerly Invitae), Labcorp); PubMed 30715774 (cited by Labcorp Genetics (formerly Invitae), Labcorp); PubMed 17576681 (cited by Labcorp Genetics (formerly Invitae), Labcorp); PubMed 9536098 (cited by Labcorp Genetics (formerly Invitae), Labcorp); PubMed 7695699 (cited by Labcorp Genetics (formerly Invitae), Labcorp); PubMed 8218237 (cited by Labcorp Genetics (formerly Invitae), Labcorp); PubMed 19344236 (cited by Labcorp Genetics (formerly Invitae), Labcorp); PubMed 9016532 (cited by Labcorp Genetics (formerly Invitae), Labcorp); PubMed 17078022 (cited by Labcorp Genetics (formerly Invitae), Labcorp).

NM_000089.4(COL1A2):c.2133+6T>A

Gene: COL1A2 (collagen type I alpha 2 chain; plus strand). Cytogenetic location: 7q21.3.
Variant type: single nucleotide variant.
Coding change: c.2133+6T>A on transcript NM_000089.4 (MANE Select); 6 bases into the intron after coding-DNA position 2133, T replaced by A.
Molecular consequence: intron variant.
Genome position (GRCh38, 1-based): chr7:94,420,292, T>A. VCF-style: chr7-94420292-T-A. GRCh37 (hg19) VCF-style: chr7-94049604-T-A.
Identifiers: ClinVar variation 456815 (VCV000456815.11), dbSNP rs72658164, ClinGen allele CA162935440.